The following is an entry in ClinVar:

NM_001013838.3(CARMIL2):c.355T>C (p.Phe119Leu)

Gene: CARMIL2 (capping protein regulator and myosin 1 linker 2; plus strand). Cytogenetic location: 16q22.1.
Variant type: single nucleotide variant.
Coding change: c.355T>C on transcript NM_001013838.3 (MANE Select); coding-DNA position 355, T replaced by C.
Protein change: p.Phe119Leu; replaces phenylalanine 119 with leucine.
Molecular consequence: missense variant.
Genome position (GRCh38, 1-based): chr16:67,646,291, T>C. VCF-style: chr16-67646291-T-C. GRCh37 (hg19) VCF-style: chr16-67680194-T-C.
Other names: c.355T>C, p.Phe119Leu (NM_001317026.3); short protein forms F119L.
Identifiers: ClinVar variation 1950188 (VCV001950188.5), dbSNP rs2543532627, ClinGen allele CA396331002.

ClinVar aggregate classification (germline): Uncertain significance (1 of 4 stars; one submission).

Submission:

Labcorp Genetics (formerly Invitae), Labcorp
Classification: Uncertain significance. Last evaluated: 2025-01-12. Review status: criteria provided, single submitter. Criteria: Invitae Variant Classification Sherloc (09022015). Collection method: clinical testing. Allele origin: germline.
Comment: This sequence change replaces phenylalanine, which is neutral and non-polar, with leucine, which is neutral and non-polar, at codon 119 of the CARMIL2 protein (p.Phe119Leu). This variant is not present in population databases (gnomAD no frequency). This variant has not been reported in the literature in individuals affected with CARMIL2-related conditions. ClinVar contains an entry for this variant (Variation ID: 1950188). Invitae Evidence Modeling of protein sequence and biophysical properties (such as structural, functional, and spatial information, amino acid conservation, physicochemical variation, residue mobility, and thermodynamic stability) indicates that this missense variant is not expected to disrupt CARMIL2 protein function with a negative predictive value of 80%. In summary, the available evidence is currently insufficient to determine the role of this variant in disease. Therefore, it has been classified as a Variant of Uncertain Significance.